The following is an entry in ClinVar:

NM_001376.5(DYNC1H1):c.17_18insTGG (p.Gly9_Glu10insGly)

Gene: DYNC1H1 (dynein cytoplasmic 1 heavy chain 1; plus strand). Cytogenetic location: 14q32.31.
Variant type: Insertion.
Coding change: c.17_18insTGG on transcript NM_001376.5 (MANE Select); coding-DNA positions 17 to 18, TGG inserted.
Protein change: p.Gly9_Glu10insGly.
Molecular consequence: inframe insertion.
Genome position: GRCh38 VCF-style: chr14-101964706-G-GGGT. GRCh37 (hg19) VCF-style: chr14-102431043-G-GGGT.
Identifiers: ClinVar variation 2890515 (VCV002890515.3), dbSNP rs1249154932, ClinGen allele CA703176938.

ClinVar aggregate classification (germline): Uncertain significance (1 of 4 stars; one submission).

Conditions:
Charcot-Marie-Tooth disease axonal type 2O. Also called: CHARCOT-MARIE-TOOTH NEUROPATHY, AXONAL, TYPE 2O; CHARCOT-MARIE-TOOTH DISEASE, AXONAL, AUTOSOMAL DOMINANT, TYPE 2O; Charcot-Marie-Tooth Neuropathy Type 2O; Charcot-Marie-Tooth disease, axonal, type 20. Identifiers: Orphanet 284232, MedGen C3280220, MONDO:0013644, OMIM 614228.

Submission:

Labcorp Genetics (formerly Invitae), Labcorp
Classification: Uncertain significance for Charcot-Marie-Tooth disease axonal type 2O. Last evaluated: 2024-03-11. Review status: criteria provided, single submitter. Criteria: Invitae Variant Classification Sherloc (09022015). Collection method: clinical testing. Allele origin: germline.
Comment: This variant, c.17_18insTGG, results in the insertion of 1 amino acid(s) of the DYNC1H1 protein (p.Gly9dup), but otherwise preserves the integrity of the reading frame. This variant is not present in population databases (gnomAD no frequency). This variant has not been reported in the literature in individuals affected with DYNC1H1-related conditions. Experimental studies and prediction algorithms are not available or were not evaluated, and the functional significance of this variant is currently unknown. In summary, the available evidence is currently insufficient to determine the role of this variant in disease. Therefore, it has been classified as a Variant of Uncertain Significance.